The following is an entry in ClinVar:

ClinVar aggregate classification (germline): Uncertain significance (1 of 4 stars; one submission).

Conditions:
Hereditary pheochromocytoma and paraganglioma. Also called: Hereditary Paraganglioma-Pheochromocytoma Syndromes; Hereditary pheochromocytoma-paraganglioma; Hereditary paragangliomas and pheochromocytomas. Identifiers: Orphanet 29072, MedGen C4274332, MONDO:0017366.

Submission:

All of Us Research Program, National Institutes of Health
Classification: Uncertain significance for Hereditary pheochromocytoma and paraganglioma. Last evaluated: 2024-08-06. Review status: criteria provided, single submitter. Criteria: ACMG Guidelines, 2015. Collection method: clinical testing. Allele origin: germline. Inheritance: Autosomal dominant inheritance. Observed: 1 variant allele, 1 heterozygote.
Comment: This study involves interpretation of variants in research participants for the purpose of population health screening. Participant phenotype was not available at the time of variant classification. Additional details can be found in publication PMID: 35346344, PMCID: PMC8962531

NM_003000.3(SDHB):c.509A>T (p.Tyr170Phe)

Gene: SDHB (succinate dehydrogenase complex iron sulfur subunit B; minus strand). Cytogenetic location: 1p36.13.
Variant type: single nucleotide variant.
Coding change: c.509A>T on transcript NM_003000.3 (MANE Select); coding-DNA position 509, A replaced by T.
Protein change: p.Tyr170Phe; replaces tyrosine 170 with phenylalanine.
Molecular consequence: missense variant.
Genome position (GRCh38, 1-based): chr1:17,027,780, T>A on the plus strand (A>T on the coding strand, the complement: SDHB is on the minus strand). VCF-style: chr1-17027780-T-A. GRCh37 (hg19) VCF-style: chr1-17354275-T-A.
Other names: c.455A>T, p.Tyr152Phe (NM_001407361.1); short protein forms Y152F, Y170F.
Identifiers: ClinVar variation 3385987 (VCV003385987.1).